The following is an entry in ClinVar:

ClinVar aggregate classification (germline): Benign (1 of 4 stars; one submission).

Conditions:
Posterior column ataxia-retinitis pigmentosa syndrome (RETSNS). Also called: RETINOPATHY-SENSORY NEUROPATHY SYNDROME. Identifiers: Orphanet 88628, MedGen C1836916, MONDO:0012177, OMIM 609033.

Allele frequency attached by ClinVar (database versions not stated): gnomAD 0.00073 and 0.00056; 1000 Genomes Project 0.00339; 1000 Genomes Project 30x 0.00297; TOPMed 0.00096.

Submission:

Illumina Laboratory Services, Illumina
Classification: Benign for Posterior column ataxia-retinitis pigmentosa syndrome. Last evaluated: 2018-01-13. Review status: criteria provided, single submitter. Criteria: ICSL Variant Classification Criteria 13 December 2019. Collection method: clinical testing. Allele origin: germline.
Comment: This variant was observed in the ICSL laboratory as part of a predisposition screen in an ostensibly healthy population. It had not been previously curated by ICSL or reported in the Human Gene Mutation Database (HGMD: prior to June 1st, 2018), and was therefore a candidate for classification through an automated scoring system. Utilizing variant allele frequency, disease prevalence and penetrance estimates, and inheritance mode, an automated score was calculated to assess if this variant is too frequent to cause the disease. Based on the score and internal cut-off values, a variant classified as benign is not then subjected to further curation. The score for this variant resulted in a classification of benign for this disease.

NM_014053.4(FLVCR1):c.*2443C>T

Gene: FLVCR1 (FLVCR choline and heme transporter 1; plus strand). Cytogenetic location: 1q32.3.
Variant type: single nucleotide variant.
Coding change: c.*2443C>T on transcript NM_014053.4 (MANE Select); 2443 bases downstream of the stop codon, C replaced by T.
Molecular consequence: 3 prime UTR variant.
Genome position (GRCh38, 1-based): chr1:212,897,733, C>T. VCF-style: chr1-212897733-C-T. GRCh37 (hg19) VCF-style: chr1-213071075-C-T.
Identifiers: ClinVar variation 295382 (VCV000295382.5), dbSNP rs117380165, ClinGen allele CA10608999.